The following is an entry in ClinVar:

NM_001162501.2(TNRC6B):c.3995G>T (p.Gly1332Val)

Gene: TNRC6B (trinucleotide repeat containing adaptor 6B; plus strand). Cytogenetic location: 22q13.1.
Variant type: single nucleotide variant.
Coding change: c.3995G>T on transcript NM_001162501.2 (MANE Select); coding-DNA position 3995, G replaced by T.
Protein change: p.Gly1332Val; replaces glycine 1332 with valine.
Molecular consequence: missense variant.
Genome position (GRCh38, 1-based): chr22:40,301,208, G>T. VCF-style: chr22-40301208-G-T. GRCh37 (hg19) VCF-style: chr22-40697212-G-T.
Other names: c.1583G>T, p.Gly528Val (NM_001024843.2); c.3665G>T, p.Gly1222Val (NM_015088.3); short protein forms G1222V, G1332V, G528V.
Identifiers: ClinVar variation 2691468 (VCV002691468.2), dbSNP rs777982437, ClinGen allele CA10247198.
Genomic context (GRCh38, chr22:40,301,208, plus strand): 5'-AGCTGGCTCGAATGGTGAGTGCACTGCAGCAGCAGCAGCAGCAGCAGCAGAGGCAGCCAG[G>T]CATGAAGCACTCGCCCTCTCATCCTGTTGGGCCCAAGCCGCATCTGGACAACATGGTACC-3'
Protein context (NP_001155973.1, residues 1322-1342): QQQQQQQRQP[Gly1332Val]MKHSPSHPVG

ClinVar aggregate classification (germline): Uncertain significance (1 of 4 stars; one submission).

Allele frequency attached by ClinVar (database versions not stated): gnomAD 0.00001; ExAC 0.00004.
gnomAD v4.1: 2 of 1,554,718 alleles (0.00013%); highest among the groups gnomAD compares: African/African-American, 0.0027%; no homozygotes.

Submission:

Women's Health and Genetics/Laboratory Corporation of America, LabCorp
Classification: Uncertain significance. Last evaluated: 2026-03-05. Review status: criteria provided, single submitter. Criteria: LabCorp Variant Classification Summary - May 2015. Collection method: clinical testing. Allele origin: germline.
Comment: Variant summary: TNRC6B c.3995G>T (p.Gly1332Val) results in a non-conservative amino acid change in the encoded protein sequence. Algorithms developed to predict the effect of missense changes on protein structure and function are either unavailable or do not agree on the potential impact of this missense change. The variant allele was found at a frequency of 1.2e-05 in 162814 control chromosomes. The available data on variant occurrences in the general population are insufficient to allow any conclusion about variant significance. To our knowledge, no occurrence of c.3995G>T in individuals affected with TNRC6B-related conditions and no experimental evidence demonstrating its impact on protein function have been reported. ClinVar contains an entry for this variant (Variation ID: 2691468). Based on the evidence outlined above, the variant was classified as uncertain significance.